The following is an entry in ClinVar:

NM_004959.5(NR5A1):c.591C>G (p.Tyr197Ter)

Gene: NR5A1 (nuclear receptor subfamily 5 group A member 1; minus strand). Cytogenetic location: 9q33.3.
Variant type: single nucleotide variant.
Coding change: c.591C>G on transcript NM_004959.5 (MANE Select); coding-DNA position 591, C replaced by G.
Protein change: p.Tyr197Ter; replaces tyrosine 197 with a stop codon.
Molecular consequence: nonsense.
Genome position (GRCh38, 1-based): chr9:124,500,369, G>C on the plus strand (C>G on the coding strand, the complement: NR5A1 is on the minus strand). VCF-style: chr9-124500369-G-C. GRCh37 (hg19) VCF-style: chr9-127262648-G-C.
Other names: short protein forms Y197*.
Identifiers: ClinVar variation 2019693 (VCV002019693.4), dbSNP rs2538683985, ClinGen allele CA374886656.

ClinVar aggregate classification (germline): Pathogenic (1 of 4 stars; one submission).

Conditions:
Oligosynaptic infertility (SPGF1). Also called: OLIGOCHIASMATIC INFERTILITY; SPERMATOGENIC FAILURE 1. Identifiers: MedGen C0403810, MONDO:0009776, OMIM 258150.
46 XY differences of sex development. Also called: 46, XY disorder of sex development (DSD); 46,XY disorder of sex development. Identifiers: Orphanet 98085, MedGen C2751824, MONDO:0020040.

Submission:

Labcorp Genetics (formerly Invitae), Labcorp
Classification: Pathogenic for 46 XY differences of sex development; Oligosynaptic infertility. Last evaluated: 2022-07-25. Review status: criteria provided, single submitter. Criteria: Invitae Variant Classification Sherloc (09022015). Collection method: clinical testing. Allele origin: germline.
Comment: This sequence change creates a premature translational stop signal (p.Tyr197*) in the NR5A1 gene. It is expected to result in an absent or disrupted protein product. Loss-of-function variants in NR5A1 are known to be pathogenic (PMID: 10369247, 12907682, 19246354). This variant is not present in population databases (gnomAD no frequency). This premature translational stop signal has been observed in individual(s) with 46,XY disorder of sex development (PMID: 33351340). For these reasons, this variant has been classified as Pathogenic.

Literature cited by the submitters: PubMed 10369247; PubMed 12907682; PubMed 19246354; PubMed 33351340.